The following is an entry in ClinVar:

NM_182961.4(SYNE1):c.9514A>G (p.Lys3172Glu)

Gene: SYNE1 (spectrin repeat containing nuclear envelope protein 1; minus strand). Cytogenetic location: 6q25.2.
Variant type: single nucleotide variant.
Coding change: c.9514A>G on transcript NM_182961.4 (MANE Select); coding-DNA position 9514, A replaced by G.
Protein change: p.Lys3172Glu; replaces lysine 3172 with glutamic acid.
Molecular consequence: missense variant.
Genome position (GRCh38, 1-based): chr6:152,369,608, T>C on the plus strand (A>G on the coding strand, the complement: SYNE1 is on the minus strand). VCF-style: chr6-152369608-T-C. GRCh37 (hg19) VCF-style: chr6-152690743-T-C.
Other names: c.9535A>G, p.Lys3179Glu (NM_033071.5); short protein forms K3179E, K3172E.
Identifiers: ClinVar variation 1506967 (VCV001506967.6), dbSNP rs2154085901, ClinGen allele CA366138653.

ClinVar aggregate classification (germline): Uncertain significance (1 of 4 stars; one submission).

Conditions:
Autosomal recessive ataxia, Beauce type. Also called: SYNE1-Related Autosomal Recessive Cerebellar Ataxia; Spinocerebellar ataxia, autosomal recessive 8; ATAXIA, RECESSIVE, OF BEAUCE; SYNE1 Deficiency. Identifiers: Orphanet 88644, MedGen C1853116, MONDO:0012549, OMIM 610743.
Emery-Dreifuss muscular dystrophy 4, autosomal dominant (EDMD4). Also called: EMERY-DREIFUSS MUSCULAR DYSTROPHY 4 WITH VARIABLE FEATURES. Identifiers: Orphanet 261, MedGen C2751807, MONDO:0013071, OMIM 612998.

Submission:

Labcorp Genetics (formerly Invitae), Labcorp
Classification: Uncertain significance for Emery-Dreifuss muscular dystrophy 4, autosomal dominant; Autosomal recessive ataxia, Beauce type. Last evaluated: 2022-07-18. Review status: criteria provided, single submitter. Criteria: Invitae Variant Classification Sherloc (09022015). Collection method: clinical testing. Allele origin: germline.
Comment: In summary, the available evidence is currently insufficient to determine the role of this variant in disease. Therefore, it has been classified as a Variant of Uncertain Significance. ClinVar contains an entry for this variant (Variation ID: 1506967). Algorithms developed to predict the effect of missense changes on protein structure and function are either unavailable or do not agree on the potential impact of this missense change (SIFT: "Deleterious"; PolyPhen-2: "Benign"; Align-GVGD: "Class C0"). This variant has not been reported in the literature in individuals affected with SYNE1-related conditions. This variant is not present in population databases (gnomAD no frequency). This sequence change replaces lysine, which is basic and polar, with glutamic acid, which is acidic and polar, at codon 3179 of the SYNE1 protein (p.Lys3179Glu).